The following is an entry in ClinVar:

ClinVar aggregate classification (germline): Likely pathogenic (1 of 4 stars; one submission).

Conditions:
Primary dilated cardiomyopathy (DCM). Also called: Dilated Cardiomyopathy. Identifiers: Orphanet 217604, MedGen C0007193, MeSH D002311, MONDO:0005021, HP:0001644. Inheritance: Various modes of inheritance.

Allele frequency attached by ClinVar (database versions not stated): TOPMed below 0.00001.

Submission:

Laboratory for Molecular Medicine, Mass General Brigham Personalized Medicine
Classification: Likely pathogenic for Primary dilated cardiomyopathy. Last evaluated: 2019-02-22. Review status: criteria provided, single submitter. Criteria: ACMG Guidelines, 2015. Collection method: clinical testing. Allele origin: germline.
Comment: The p.Lys1313X variant in TTN has not been previously reported in individuals with TTN-associated diseases, such as dilated cardiomyopathy and neuromuscular conditions and was absent from large population studies. This nonsense variant leads to a premature termination codon at position 1313, which is predicted to lead to a truncated or absent protein. Nonsense and other truncating variants in TTN are strongly associated with DCM if they impact the exons encoding for the A-band (Herman 2012, Pugh 2014) and/or are located in an exon that is highly expressed in the heart (Roberts 2015). In addition, TTN variants have also been associated with myopathies and other neuromuscular conditions, which usually have autosomal recessive inheritance (Savarese 2016). The p.Lys1313X variant is located in a highly expressed exon in the near Z-disk region. In summary, although additional studies are required to fully establish its clinical significance, this variant meets criteria to be classified as likely pathogenic for TTN-associated diseases. ACMG/AMP Criteria applied: PVS1, PM2.

NM_001267550.2(TTN):c.3937A>T (p.Lys1313Ter)

Genes: TTN (titin; minus strand), LOC101927055 (uncharacterized LOC101927055; plus strand). Cytogenetic location: 2q31.2.
Variant type: single nucleotide variant.
Coding change: c.3937A>T on transcript NM_001267550.2 (MANE Select); coding-DNA position 3937, A replaced by T.
Protein change: p.Lys1313Ter; replaces lysine 1313 with a stop codon.
Molecular consequence: nonsense.
Genome position (GRCh38, 1-based): chr2:178,779,255, T>A on the plus strand (A>T on the coding strand, the complement: TTN is on the minus strand). VCF-style: chr2-178779255-T-A. GRCh37 (hg19) VCF-style: chr2-179643982-T-A.
Other names: c.3937A>T, p.Lys1313Ter (NM_001256850.1, NM_133378.4, NM_133379.5); c.3799A>T, p.Lys1267Ter (NM_003319.4, NM_133432.3, NM_133437.4); short protein forms K1267*, K1313*.
Identifiers: ClinVar variation 3075747 (VCV003075747.1), dbSNP rs879060159, ClinGen allele CA60979061.